The following is an entry in ClinVar:

NM_013432.5(TONSL):c.2278C>T (p.Pro760Ser)

Genes: TONSL (tonsoku like, DNA repair protein; minus strand), TONSL-AS1 (TONSL antisense RNA 1; plus strand). Cytogenetic location: 8q24.3.
Variant type: single nucleotide variant.
Coding change: c.2278C>T on transcript NM_013432.5 (MANE Select); coding-DNA position 2278, C replaced by T.
Protein change: p.Pro760Ser; replaces proline 760 with serine.
Molecular consequence: missense variant.
Genome position (GRCh38, 1-based): chr8:144,436,155, G>A on the plus strand (C>T on the coding strand, the complement: TONSL is on the minus strand). VCF-style: chr8-144436155-G-A. GRCh37 (hg19) VCF-style: chr8-145661538-G-A.
Other names: c.2278C>T (NM_013432.4); short protein forms P760S.
Identifiers: ClinVar variation 1349220 (VCV001349220.4), dbSNP rs367667140, ClinGen allele CA4942869.

ClinVar aggregate classification (germline): Uncertain significance. Review status: criteria provided, multiple submitters, no conflicts (2 of 4 stars). 2 submissions from 2 submitters: Uncertain significance (2). Last evaluated 2023-12-26.

Conditions:
Inborn genetic diseases. Identifiers: MedGen C0950123, MeSH D030342.

Allele frequency attached by ClinVar (database versions not stated): gnomAD exomes 0.00004 and 0.00007; ExAC 0.00023; gnomAD 0.00038 and 0.00044; TOPMed 0.00050; ESP Exome Variant Server 0.00062.
gnomAD v4.1: 116 of 1,572,742 alleles (0.0074%); highest among the groups gnomAD compares: African/African-American, 0.14%; no homozygotes.

Submissions (2):

Ambry Genetics
Classification: Uncertain significance for Inborn genetic diseases. Last evaluated: 2023-12-26. Review status: criteria provided, single submitter. Criteria: Ambry Variant Classification Scheme 2023. Collection method: clinical testing. Allele origin: germline.

Labcorp Genetics (formerly Invitae), Labcorp
Classification: Uncertain significance. Last evaluated: 2022-08-23. Review status: criteria provided, single submitter. Criteria: Invitae Variant Classification Sherloc (09022015). Collection method: clinical testing. Allele origin: germline.
Comment: This sequence change replaces proline, which is neutral and non-polar, with serine, which is neutral and polar, at codon 760 of the TONSL protein (p.Pro760Ser). This variant is present in population databases (rs367667140, gnomAD 0.1%). This variant has not been reported in the literature in individuals affected with TONSL-related conditions. ClinVar contains an entry for this variant (Variation ID: 1349220). Algorithms developed to predict the effect of missense changes on protein structure and function are either unavailable or do not agree on the potential impact of this missense change (SIFT: "Tolerated"; PolyPhen-2: "Possibly Damaging"; Align-GVGD: "Class C0"). In summary, the available evidence is currently insufficient to determine the role of this variant in disease. Therefore, it has been classified as a Variant of Uncertain Significance.